The following is an entry in ClinVar:

NM_144499.3(GNAT1):c.638G>A (p.Gly213Asp)

Gene: GNAT1 (G protein subunit alpha transducin 1; plus strand). Cytogenetic location: 3p21.31.
Variant type: single nucleotide variant.
Coding change: c.638G>A on transcript NM_144499.3 (MANE Select); coding-DNA position 638, G replaced by A.
Protein change: p.Gly213Asp; replaces glycine 213 with aspartic acid.
Molecular consequence: missense variant.
Genome position (GRCh38, 1-based): chr3:50,194,151, G>A. VCF-style: chr3-50194151-G-A. GRCh37 (hg19) VCF-style: chr3-50231584-G-A.
Other names: c.638G>A, p.Gly213Asp (NM_000172.4); short protein forms G213D.
Identifiers: ClinVar variation 2100723 (VCV002100723.4), dbSNP rs538795841, ClinGen allele CA2412663.
Genomic context (GRCh38, chr3:50,194,151, plus strand): 5'-GGATGTTCGATGTGGGCGGGCAGCGCTCGGAGCGCAAGAAGTGGATCCACTGCTTCGAGG[G>A]CGTGACCTGCATCATCTTCATCGCGGCGCTGAGCGCCTACGACATGGTGCTAGTGGAGGA-3'
Protein context (NP_653082.1, residues 203-223): ERKKWIHCFE[Gly213Asp]VTCIIFIAAL

ClinVar aggregate classification (germline): Uncertain significance (1 of 4 stars; one submission).

Allele frequency attached by ClinVar (database versions not stated): ExAC 0.00001; gnomAD 0.00001; 1000 Genomes Project 30x 0.00016; 1000 Genomes Project 0.00020.

Submission:

Labcorp Genetics (formerly Invitae), Labcorp
Classification: Uncertain significance. Last evaluated: 2022-02-20. Review status: criteria provided, single submitter. Criteria: Invitae Variant Classification Sherloc (09022015). Collection method: clinical testing. Allele origin: germline.
Comment: In summary, the available evidence is currently insufficient to determine the role of this variant in disease. Therefore, it has been classified as a Variant of Uncertain Significance. Algorithms developed to predict the effect of missense changes on protein structure and function are either unavailable or do not agree on the potential impact of this missense change (SIFT: "Deleterious"; PolyPhen-2: "Probably Damaging"; Align-GVGD: "Class C0"). This variant has not been reported in the literature in individuals affected with GNAT1-related conditions. This variant is present in population databases (rs538795841, gnomAD 0.006%). This sequence change replaces glycine, which is neutral and non-polar, with aspartic acid, which is acidic and polar, at codon 213 of the GNAT1 protein (p.Gly213Asp).